The following is an entry in ClinVar:

NM_000092.5(COL4A4):c.74C>G (p.Ser25Ter)

Gene: COL4A4 (collagen type IV alpha 4 chain; minus strand). Cytogenetic location: 2q36.3.
Variant type: single nucleotide variant.
Coding change: c.74C>G on transcript NM_000092.5 (MANE Select); coding-DNA position 74, C replaced by G.
Protein change: p.Ser25Ter; replaces serine 25 with a stop codon.
Molecular consequence: nonsense.
Genome position (GRCh38, 1-based): chr2:227,144,556, G>C on the plus strand (C>G on the coding strand, the complement: COL4A4 is on the minus strand). VCF-style: chr2-227144556-G-C. GRCh37 (hg19) VCF-style: chr2-228009272-G-C.
Other names: short protein forms S25*.
Identifiers: ClinVar variation 3376587 (VCV003376587.3).

ClinVar aggregate classification (germline): Likely pathogenic (1 of 4 stars; one submission).

Conditions:
Alport syndrome. Also called: Hemorrhagic familial nephritis; Hemorrhagic hereditary nephritis; Congenital hereditary hematuria. Identifiers: Orphanet 63, MedGen C1567741, MONDO:0018965.

gnomAD v4.1: 2 of 1,605,992 alleles (0.00012%); highest among the groups gnomAD compares: Non-Finnish European, 0.00017%; no homozygotes.

Submission:

Victorian Clinical Genetics Services, Murdoch Childrens Research Institute
Classification: Likely pathogenic for Alport syndrome. Last evaluated: 2025-06-30. Review status: criteria provided, single submitter. Criteria: ACMG Guidelines, 2015. Collection method: clinical testing. Allele origin: germline. Affected: yes.
Comment: This variant is classified as Likely pathogenic. Evidence in support of pathogenic classification: Variant is predicted to result in a truncated protein (premature termination codon is located within the first 102 nucleotides of the coding sequence and is predicted to escape nonsense-mediated decay); Variant is present in gnomAD <0.01 (v4: 2 heterozygote(s), 0 homozygote(s)); This variant has limited previous evidence of pathogenicity in an unrelated individual. Other 5' NMD-escape variants comparable to the one identified in this case have moderate previous evidence for pathogenicity (ClinVar). Additional information: This variant is heterozygous; This gene is associated with both recessive and dominant disease. Alport syndrome typically has biallelic inheritance, although rare cases of monoallelic inheritance have been reported and associated with a milder phenotype and later onset (PMID: 28704582). TBMN and focal segmental glomerulosclerosis (FSGS) are associated with autosomal dominant inheritance (OMIM, PMIDs: 16467446, 17942953); Loss of function is a known mechanism of disease for this gene and is associated with Alport syndrome. Dominant negative is a suspected mechanism of disease for this gene (PMIDs: 12028435, 24046192) - Inheritance information for this variant is not currently available in this individual.

Literature cited by the submitters: PubMed 24046192; PubMed 16467446; PubMed 12028435; PubMed 28704582; PubMed 17942953.